The following is an entry in ClinVar:

NM_014687.4(RUBCN):c.230G>A (p.Arg77His)

Gene: RUBCN (rubicon autophagy regulator; minus strand). Cytogenetic location: 3q29.
Variant type: single nucleotide variant.
Coding change: c.230G>A on transcript NM_014687.4 (MANE Select); coding-DNA position 230, G replaced by A.
Protein change: p.Arg77His; replaces arginine 77 with histidine.
Molecular consequence: missense variant.
Genome position (GRCh38, 1-based): chr3:197,705,165, C>T on the plus strand (G>A on the coding strand, the complement: RUBCN is on the minus strand). VCF-style: chr3-197705165-C-T. GRCh37 (hg19) VCF-style: chr3-197432036-C-T.
Other names: p.Arg17His; c.50G>A, p.Arg17His (NM_001145642.5); c.230G>A, p.Arg77His (NM_001346873.2); c.50G>A (NM_001145642.4); short protein forms R17H, R77H.
Identifiers: ClinVar variation 129380 (VCV000129380.9), dbSNP rs61743568, ClinGen allele CA153340.
Genomic context (GRCh38, chr3:197,705,165, plus strand): 5'-AGGGCTGAGTGGGGACTGAGCCACCGGATGTCTTTCACGAACTGCCAGTAATCCGTCTGG[C>T]GGCGGCACGCCTGCAAAGGGAACACATACAATGAGCAAATCACGACCATTCTGGACCAGA-3'
Protein context (NP_055502.1, residues 67-87): HGLIRDQACR[Arg77His]QTDYWQFVKD

ClinVar aggregate classification (germline): Benign/Likely benign. Review status: criteria provided, multiple submitters, no conflicts (2 of 4 stars). 4 submissions from 4 submitters: Benign (2); Likely benign (1). 1 of the submissions does not count toward it. Last evaluated 2024-11-26.

Allele frequency attached by ClinVar (database versions not stated): 1000 Genomes Project 0.06569; 1000 Genomes Project 30x 0.06574; gnomAD 0.08379 and 0.08751; TOPMed 0.08636; ESP Exome Variant Server 0.09369.
gnomAD v4.1: 127,613 of 1,610,622 alleles (7.9%); highest among the groups gnomAD compares: African/African-American, 11%; 5,547 homozygotes.

Submissions (4):

Blueprint Genetics
Classification: Likely benign. Last evaluated: 2024-11-26. Review status: criteria provided, single submitter. Criteria: ACMG Guidelines, 2015. Collection method: clinical testing. Allele origin: germline.

Mayo Clinic Laboratories, Mayo Clinic
Classification: Benign. Last evaluated: 2022-03-24. Review status: criteria provided, single submitter. Criteria: ACMG Guidelines, 2015. Collection method: clinical testing. Allele origin: germline. Observed: 72 variant alleles.

Breakthrough Genomics
Classification: Benign. Review status: criteria provided, single submitter. Criteria: ACMG Guidelines, 2015. Collection method: not provided. Allele origin: germline. Inheritance: Autosomal recessive inheritance. Affected: yes.

Genetic Services Laboratory, University of Chicago
Classification: Likely benign for AllHighlyPenetrant. Review status: no assertion criteria provided. Collection method: clinical testing. Allele origin: germline. Inheritance: Autosomal recessive inheritance. Not counted in ClinVar's aggregate classification.
Comment: Likely benign based on allele frequency in 1000 Genomes Project or ESP global frequency and its presence in a patient with a rare or unrelated disease phenotype. NOT Sanger confirmed.